The following is an entry in ClinVar:

NM_005188.4(CBL):c.438G>C (p.Gln146His)

Gene: CBL (Cbl proto-oncogene; plus strand). Cytogenetic location: 11q23.3.
Variant type: single nucleotide variant.
Coding change: c.438G>C on transcript NM_005188.4 (MANE Select); coding-DNA position 438, G replaced by C.
Protein change: p.Gln146His; replaces glutamine 146 with histidine.
Molecular consequence: missense variant.
Genome position (GRCh38, 1-based): chr11:119,232,690, G>C. VCF-style: chr11-119232690-G-C. GRCh37 (hg19) VCF-style: chr11-119103400-G-C.
Other names: short protein forms Q146H.
Identifiers: ClinVar variation 2789905 (VCV002789905.3), dbSNP rs755204320, ClinGen allele CA382896076.

ClinVar aggregate classification (germline): Uncertain significance (1 of 4 stars; one submission).

Conditions:
RASopathy. Also called: rasopathies; Noonan spectrum disorder. Identifiers: Orphanet 536391, MedGen C5555857, MONDO:0021060.

Submission:

Labcorp Genetics (formerly Invitae), Labcorp
Classification: Uncertain significance for RASopathy. Last evaluated: 2022-12-16. Review status: criteria provided, single submitter. Criteria: Invitae Variant Classification Sherloc (09022015). Collection method: clinical testing. Allele origin: germline.
Comment: Advanced modeling of protein sequence and biophysical properties (such as structural, functional, and spatial information, amino acid conservation, physicochemical variation, residue mobility, and thermodynamic stability) performed at Invitae indicates that this missense variant is not expected to disrupt CBL protein function. In summary, the available evidence is currently insufficient to determine the role of this variant in disease. Therefore, it has been classified as a Variant of Uncertain Significance. This sequence change replaces glutamine, which is neutral and polar, with histidine, which is basic and polar, at codon 146 of the CBL protein (p.Gln146His). This variant is not present in population databases (gnomAD no frequency). This variant has not been reported in the literature in individuals affected with CBL-related conditions.